The following is an entry in ClinVar:

NM_001393939.1(ANKRD36B):c.2766A>G (p.Ala922=)

Gene: ANKRD36B (ankyrin repeat domain 36B; minus strand). Cytogenetic location: 2q11.2.
Variant type: single nucleotide variant.
Coding change: c.2766A>G on transcript NM_001393939.1 (MANE Select); coding-DNA position 2766, A replaced by G.
Protein change: p.Ala922=; no amino-acid change (alanine 922 retained).
Molecular consequence: synonymous variant.
Genome position (GRCh38, 1-based): chr2:97,513,219, T>C on the plus strand (A>G on the coding strand, the complement: ANKRD36B is on the minus strand). VCF-style: chr2-97513219-T-C. GRCh37 (hg19) VCF-style: chr2-98129682-T-C.
Other names: c.2766A>G, p.Ala922= (NM_025190.4).
Identifiers: ClinVar variation 4533572 (VCV004533572.6).
Genomic context (GRCh38, chr2:97,513,219, plus strand): 5'-TTTTACCAAACATTAATTTACCTGATTTGAATTATTTCCTCCTGTCTTCAATTCCACCTC[T>C]GCTGATTTGAGAGCCGGTTTAATTGGTTTTGTCACATCAGCTTCTATCCTATATTGCTCT-3'
Protein context (NP_001380868.1, residues 912-932): TKPIKPALKS[Ala922=]EVELKTGGNN

ClinVar aggregate classification (germline): Likely benign (1 of 4 stars; one submission).

Submission:

CeGaT Center for Human Genetics Tuebingen
Classification: Likely benign. Last evaluated: 2026-09-01. Review status: criteria provided, single submitter. Criteria: CeGaT Center For Human Genetics Tuebingen Variant Classification Criteria Version 2. Collection method: clinical testing. Allele origin: germline. Affected: yes. Observed: 2 variant alleles.
Comment: ANKRD36B: BP4, BP7